The following is an entry in ClinVar:

ClinVar aggregate classification (germline): Uncertain significance (1 of 4 stars; one submission).

Submission:

Labcorp Genetics (formerly Invitae), Labcorp
Classification: Uncertain significance. Last evaluated: 2024-06-01. Review status: criteria provided, single submitter. Criteria: Invitae Variant Classification Sherloc (09022015). Collection method: clinical testing. Allele origin: germline.
Comment: This sequence change replaces phenylalanine, which is neutral and non-polar, with isoleucine, which is neutral and non-polar, at codon 699 of the LZTR1 protein (p.Phe699Ile). This variant is present in population databases (no rsID available, gnomAD 0.007%). This variant has not been reported in the literature in individuals affected with LZTR1-related conditions. Advanced modeling of protein sequence and biophysical properties (such as structural, functional, and spatial information, amino acid conservation, physicochemical variation, residue mobility, and thermodynamic stability) performed at Invitae indicates that this missense variant is not expected to disrupt LZTR1 protein function with a negative predictive value of 80%. In summary, the available evidence is currently insufficient to determine the role of this variant in disease. Therefore, it has been classified as a Variant of Uncertain Significance.

NM_006767.4(LZTR1):c.2095T>A (p.Phe699Ile)

Gene: LZTR1 (leucine zipper like post translational regulator 1; plus strand). Cytogenetic location: 22q11.21.
Variant type: single nucleotide variant.
Coding change: c.2095T>A on transcript NM_006767.4 (MANE Select); coding-DNA position 2095, T replaced by A.
Protein change: p.Phe699Ile; replaces phenylalanine 699 with isoleucine.
Molecular consequence: missense variant.
Genome position (GRCh38, 1-based): chr22:20,995,988, T>A. VCF-style: chr22-20995988-T-A. GRCh37 (hg19) VCF-style: chr22-21350277-T-A.
Other names: short protein forms F699I.
Identifiers: ClinVar variation 3716400 (VCV003716400.2).